The following is an entry in ClinVar:

ClinVar aggregate classification (germline): Uncertain significance (1 of 4 stars; one submission).

Submission:

Labcorp Genetics (formerly Invitae), Labcorp
Classification: Uncertain significance. Last evaluated: 2025-10-26. Review status: criteria provided, single submitter. Criteria: Invitae Variant Classification Sherloc (09022015). Collection method: clinical testing. Allele origin: germline.
Comment: This sequence change replaces alanine, which is neutral and non-polar, with serine, which is neutral and polar, at codon 79 of the GUCA1A protein (p.Ala79Ser). This variant is present in population databases (no rsID available, gnomAD 0.0009%). This variant has not been reported in the literature in individuals affected with GUCA1A-related conditions. ClinVar contains an entry for this variant (Variation ID: 1484862). An algorithm developed to predict the effect of missense changes on protein structure and function (PolyPhen-2) suggests that this variant is likely to be disruptive. In summary, the available evidence is currently insufficient to determine the role of this variant in disease. Therefore, it has been classified as a Variant of Uncertain Significance.

NM_001384910.1(GUCA1A):c.235G>T (p.Ala79Ser)

Genes: GUCA1A (guanylate cyclase activator 1A; plus strand), GUCA1ANB-GUCA1A (GUCA1ANB-GUCA1A readthrough; plus strand). Cytogenetic location: 6p21.1.
Variant type: single nucleotide variant.
Coding change: c.235G>T on transcript NM_001384910.1 (MANE Select); coding-DNA position 235, G replaced by T.
Protein change: p.Ala79Ser; replaces alanine 79 with serine.
Molecular consequence: missense variant.
Genome position (GRCh38, 1-based): chr6:42,178,313, G>T. VCF-style: chr6-42178313-G-T. GRCh37 (hg19) VCF-style: chr6-42146051-G-T.
Other names: c.235G>T, p.Ala79Ser (NM_000409.5, NM_001319061.2, NM_001319062.2); short protein forms A79S.
Identifiers: ClinVar variation 1484862 (VCV001484862.6), dbSNP rs1039268397, ClinGen allele CA364108762.